The following is an entry in ClinVar:

NM_002860.4(ALDH18A1):c.856A>T (p.Ile286Leu)

Gene: ALDH18A1 (aldehyde dehydrogenase 18 family member A1; minus strand). Cytogenetic location: 10q24.1.
Variant type: single nucleotide variant.
Coding change: c.856A>T on transcript NM_002860.4 (MANE Select); coding-DNA position 856, A replaced by T.
Protein change: p.Ile286Leu; replaces isoleucine 286 with leucine.
Molecular consequence: missense variant.
Genome position (GRCh38, 1-based): chr10:95,628,445, T>A on the plus strand (A>T on the coding strand, the complement: ALDH18A1 is on the minus strand). VCF-style: chr10-95628445-T-A. GRCh37 (hg19) VCF-style: chr10-97388202-T-A.
Other names: c.850A>T, p.Ile284Leu (NM_001017423.2, NM_001323415.2); c.523A>T, p.Ile175Leu (NM_001323412.2, NM_001323416.2); c.856A>T, p.Ile286Leu (NM_001323413.2, NM_001323414.2); c.751A>T, p.Ile251Leu (NM_001323417.2); c.517A>T, p.Ile173Leu (NM_001323418.2); c.220A>T, p.Ile74Leu (NM_001323419.2); short protein forms I284L, I74L, I251L, I286L, I173L, I175L.
Identifiers: ClinVar variation 4783431 (VCV004783431.1).

ClinVar aggregate classification (germline): Uncertain significance (1 of 4 stars; one submission).

Conditions:
Cutis laxa, autosomal dominant 3 (ADCL3). Identifiers: Orphanet 90348, MedGen C4225268, MONDO:0014706, OMIM 616603.
Autosomal dominant spastic paraplegia type 9. Identifiers: MedGen C1832669, MONDO:0015091.
de Barsy syndrome. Also called: Cutis laxa-corneal clouding-oligophrenia syndrome. Identifiers: Orphanet 2962, MedGen C0268354, MONDO:0017569.

Submission:

Labcorp Genetics (formerly Invitae), Labcorp
Classification: Uncertain significance for Autosomal dominant spastic paraplegia type 9; de Barsy syndrome; Cutis laxa, autosomal dominant 3. Last evaluated: 2025-11-01. Review status: criteria provided, single submitter. Criteria: Invitae Variant Classification Sherloc (09022015). Collection method: clinical testing. Allele origin: germline.
Comment: This sequence change replaces isoleucine, which is neutral and non-polar, with leucine, which is neutral and non-polar, at codon 286 of the ALDH18A1 protein (p.Ile286Leu). This variant is not present in population databases (gnomAD no frequency). This variant has not been reported in the literature in individuals affected with ALDH18A1-related conditions. Invitae Evidence Modeling of protein sequence and biophysical properties (such as structural, functional, and spatial information, amino acid conservation, physicochemical variation, residue mobility, and thermodynamic stability) indicates that this missense variant is not expected to disrupt ALDH18A1 protein function with a negative predictive value of 95%. In summary, the available evidence is currently insufficient to determine the role of this variant in disease. Therefore, it has been classified as a Variant of Uncertain Significance.